The following is an entry in ClinVar:

NM_000368.5(TSC1):c.1308_1310del (p.His437del)

Gene: TSC1 (TSC complex subunit 1; minus strand). Cytogenetic location: 9q34.13.
Variant type: Deletion.
Coding change: c.1308_1310del on transcript NM_000368.5 (MANE Select); coding-DNA positions 1308 to 1310, 3 bases deleted (CCA; older notation c.1308_1310delCCA).
Protein change: p.His437del; deletes histidine 437.
Molecular consequence: inframe deletion. On other transcripts: non-coding transcript variant (5).
Genome position (GRCh38, 1-based): chr9:132,907,324-132,907,326, TGG deleted on the plus strand (CCA on the coding strand, the reverse complement: TSC1 is on the minus strand); deleting any 3 consecutive bases within chr9:132,907,324-132,907,328 gives the same sequence; the c. name uses the placement nearest the transcript's 3' end. VCF-style (leftmost placement, unchanged base first): chr9-132907323-ATGG-A. GRCh37 (hg19) VCF-style: chr9-135782710-ATGG-A.
Other names: c.1305_1307del, p.His436del (NM_001162426.2, NM_001406597.1, NM_001406598.1 and 6 more transcripts); c.1155_1157del, p.His386del (NM_001162427.2, NM_001406610.1); c.945_947del, p.His316del (NM_001362177.2, NM_001406619.1, NM_001406624.1 and 5 more transcripts); c.1308_1310del, p.His437del (NM_001406592.1, NM_001406593.1, NM_001406594.1 and 7 more transcripts); c.942_944del, p.His315del (NM_001406620.1, NM_001406621.1, NM_001406622.1 and 2 more transcripts); c.357_359del, p.His120del (NM_001406626.1); c.354_356del, p.His119del (NM_001406627.1, NM_001406628.1); c.255_257del, p.His86del (NM_001406629.1, NM_001406630.1); and 1 more; short protein forms H119del, H120del, H315del, H316del, H385del, H386del, H436del, H437del.
Identifiers: ClinVar variation 3234028 (VCV003234028.1), dbSNP rs2538783578, ClinGen allele CA2825001615.

ClinVar aggregate classification (germline): Uncertain significance (1 of 4 stars; one submission).

Conditions:
Tuberous sclerosis 1 (TSC1). Identifiers: Orphanet 805, MedGen C1854465, MONDO:0008612, OMIM 191100.

Submission:

MVZ Medizinische Genetik Mainz
Classification: Uncertain significance for Tuberous sclerosis 1. Last evaluated: 2023-06-02. Review status: criteria provided, single submitter. Criteria: UK Practice Guidelines For Variant Classification V4 01 2020. Collection method: clinical testing. Allele origin: germline. Inheritance: Autosomal dominant inheritance. Affected: yes. Observed: 1 variant allele.
Comment: ACMG Criteria: PM4, PM2_SUP